The following is an entry in ClinVar:

NM_001370259.2(MEN1):c.1171G>T (p.Gly391Trp)

Gene: MEN1 (menin 1; minus strand). Cytogenetic location: 11q13.1.
Variant type: single nucleotide variant.
Coding change: c.1171G>T on transcript NM_001370259.2 (MANE Select); coding-DNA position 1171, G replaced by T.
Protein change: p.Gly391Trp; replaces glycine 391 with tryptophan.
Molecular consequence: missense variant. On other transcripts: non-coding transcript variant (4).
Genome position (GRCh38, 1-based): chr11:64,805,649, C>A on the plus strand (G>T on the coding strand, the complement: MEN1 is on the minus strand). VCF-style: chr11-64805649-C-A. GRCh37 (hg19) VCF-style: chr11-64573121-C-A.
Other names: c.1171G>T, p.Gly391Trp (NM_001370260.2, NM_001370261.2, NM_001407146.1 and 3 more transcripts); c.1066G>T, p.Gly356Trp (NM_001370262.2, NM_001370263.2, NM_001407148.1 and 1 more transcripts); c.1297G>T, p.Gly433Trp (NM_001407142.1, NM_001407143.1, NM_001407144.1 and 1 more transcripts); c.1186G>T, p.Gly396Trp (NM_001407145.1, NM_000244.4, NM_130802.3 and 4 more transcripts); c.1312G>T, p.Gly438Trp (NM_001407150.1); c.1192G>T, p.Gly398Trp (NM_001407151.1); short protein forms G356W, G391W, G396W, G398W, G433W, G438W.
Identifiers: ClinVar variation 4859902 (VCV004859902.1).

ClinVar aggregate classification (germline): Uncertain significance (1 of 4 stars; one submission).

Conditions:
Hereditary cancer-predisposing syndrome. Also called: Neoplastic Syndromes, Hereditary; Tumor predisposition; Hereditary Cancer Syndrome; Hereditary neoplastic syndrome. Identifiers: Orphanet 140162, MedGen C0027672, MeSH D009386, MONDO:0015356.

Submission:

Ambry Genetics
Classification: Uncertain significance for Hereditary cancer-predisposing syndrome. Last evaluated: 2026-04-19. Review status: criteria provided, single submitter. Criteria: Ambry Variant Classification Scheme 2023. Collection method: clinical testing. Allele origin: germline.
Comment: The p.G391W variant (also known as c.1171G>T), located in coding exon 7 of the MEN1 gene, results from a G to T substitution at nucleotide position 1171. The glycine at codon 391 is replaced by tryptophan, an amino acid with highly dissimilar properties. This amino acid position is conserved. In addition, the in silico prediction for this alteration is inconclusive. Based on the available evidence, the clinical significance of this variant remains unclear.